The following is an entry in ClinVar:

NM_024577.4(SH3TC2):c.311C>G (p.Ser104Cys)

Gene: SH3TC2 (SH3 domain and tetratricopeptide repeats 2; minus strand). Cytogenetic location: 5q32.
Variant type: single nucleotide variant.
Coding change: c.311C>G on transcript NM_024577.4 (MANE Select); coding-DNA position 311, C replaced by G.
Protein change: p.Ser104Cys; replaces serine 104 with cysteine.
Molecular consequence: missense variant.
Genome position (GRCh38, 1-based): chr5:149,044,607, G>C on the plus strand (C>G on the coding strand, the complement: SH3TC2 is on the minus strand). VCF-style: chr5-149044607-G-C. GRCh37 (hg19) VCF-style: chr5-148424170-G-C.
Other names: short protein forms S104C.
Identifiers: ClinVar variation 2092416 (VCV002092416.4), dbSNP rs1208141960, ClinGen allele CA361676944.

ClinVar aggregate classification (germline): Uncertain significance (1 of 4 stars; one submission).

Conditions:
Charcot-Marie-Tooth disease type 4. Also called: Charcot-Marie-Tooth disease, type IV; Charcot-Marie-Tooth, Type 4. Identifiers: Orphanet 64749, MedGen C4082197, MONDO:0018995.

Allele frequency attached by ClinVar (database versions not stated): TOPMed below 0.00001; gnomAD 0.00001.
gnomAD v4.1: 2 of 1,613,942 alleles (0.00012%); highest among the groups gnomAD compares: Non-Finnish European, 0.000085%; no homozygotes.

Submission:

Labcorp Genetics (formerly Invitae), Labcorp
Classification: Uncertain significance for Charcot-Marie-Tooth disease type 4. Last evaluated: 2022-05-06. Review status: criteria provided, single submitter. Criteria: Invitae Variant Classification Sherloc (09022015). Collection method: clinical testing. Allele origin: germline.
Comment: Advanced modeling of protein sequence and biophysical properties (such as structural, functional, and spatial information, amino acid conservation, physicochemical variation, residue mobility, and thermodynamic stability) performed at Invitae indicates that this missense variant is not expected to disrupt SH3TC2 protein function. This sequence change replaces serine, which is neutral and polar, with cysteine, which is neutral and slightly polar, at codon 104 of the SH3TC2 protein (p.Ser104Cys). This variant is present in population databases (no rsID available, gnomAD 0.002%). This variant has not been reported in the literature in individuals affected with SH3TC2-related conditions. In summary, the available evidence is currently insufficient to determine the role of this variant in disease. Therefore, it has been classified as a Variant of Uncertain Significance.